The following is an entry in ClinVar:

ClinVar aggregate classification (germline): Uncertain significance (1 of 4 stars; one submission).

Conditions:
Congenital insensitivity to pain-hypohidrosis syndrome. Also called: HSAN VIII; Neuropathy, hereditary sensory and autonomic, type VIII. Identifiers: Orphanet 478664, MedGen C4225308, MONDO:0014662, OMIM 616488.

Allele frequency attached by ClinVar (database versions not stated): gnomAD exomes 0.00001.
gnomAD v4.1: 6 of 903,036 alleles (0.00066%); highest among the groups gnomAD compares: Non-Finnish European, 0.00078%; no homozygotes.

Submission:

Labcorp Genetics (formerly Invitae), Labcorp
Classification: Uncertain significance for Congenital insensitivity to pain-hypohidrosis syndrome. Last evaluated: 2018-03-24. Review status: criteria provided, single submitter. Criteria: Invitae Variant Classification Sherloc (09022015). Collection method: clinical testing. Allele origin: germline.
Comment: While this variant is not present in population databases, the frequency information is unreliable, as metrics indicate poor data quality at this position in the ExAC database. This sequence change replaces leucine with valine at codon 347 of the PRDM12 protein (p.Leu347Val). The leucine residue is weakly conserved and there is a small physicochemical difference between leucine and valine. This variant has not been reported in the literature in individuals with PRDM12-related disease. Algorithms developed to predict the effect of missense changes on protein structure and function (SIFT, PolyPhen-2, Align-GVGD) all suggest that this variant is likely to be tolerated, but these predictions have not been confirmed by published functional studies and their clinical significance is uncertain. In summary, the available evidence is currently insufficient to determine the role of this variant in disease. Therefore, it has been classified as a Variant of Uncertain Significance.

NM_021619.3(PRDM12):c.1039C>G (p.Leu347Val)

Gene: PRDM12 (PR/SET domain 12; plus strand). Cytogenetic location: 9q34.12.
Variant type: single nucleotide variant.
Coding change: c.1039C>G on transcript NM_021619.3 (MANE Select); coding-DNA position 1039, C replaced by G.
Protein change: p.Leu347Val; replaces leucine 347 with valine.
Molecular consequence: missense variant.
Genome position (GRCh38, 1-based): chr9:130,681,604, C>G. VCF-style: chr9-130681604-C-G. GRCh37 (hg19) VCF-style: chr9-133556991-C-G.
Other names: short protein forms L347V.
Identifiers: ClinVar variation 568099 (VCV000568099.8), dbSNP rs1564249877, ClinGen allele CA375245230.